The following is an entry in ClinVar:

ClinVar aggregate classification (germline): Pathogenic (1 of 4 stars; one submission).

Conditions:
Primary ciliary dyskinesia 28. Also called: CILIARY DYSKINESIA, PRIMARY, 28, WITH OR WITHOUT SITUS INVERSUS. Identifiers: Orphanet 244, MedGen C3809706, MONDO:0014216, OMIM 615505.

Allele frequency attached by ClinVar (database versions not stated): gnomAD exomes below 0.00001 and 0.00001.
gnomAD v4.1: 4 of 1,482,136 alleles (0.00027%); highest among the groups gnomAD compares: Non-Finnish European, 0.00036%; no homozygotes.

Submission:

Labcorp Genetics (formerly Invitae), Labcorp
Classification: Pathogenic for Primary ciliary dyskinesia 28. Last evaluated: 2017-03-11. Review status: criteria provided, single submitter. Criteria: Invitae Variant Classification Sherloc (09022015). Collection method: clinical testing. Allele origin: germline.
Comment: This sequence change creates a premature translational stop signal at codon 386 (p.Gln386*) of the SPAG1 gene. It is expected to result in an absent or disrupted protein product. For these reasons, this variant has been classified as Pathogenic. While this particular variant has not been reported in the literature, loss-of-function variants in SPAG1 are known to be pathogenic (PMID: 24055112).

Literature cited by the submitters: PubMed 24055112.

NM_003114.5(SPAG1):c.1156C>T (p.Gln386Ter)

Gene: SPAG1 (sperm associated antigen 1; plus strand). Cytogenetic location: 8q22.2.
Variant type: single nucleotide variant.
Coding change: c.1156C>T on transcript NM_003114.5 (MANE Select); coding-DNA position 1156, C replaced by T.
Protein change: p.Gln386Ter; replaces glutamine 386 with a stop codon.
Molecular consequence: nonsense.
Genome position (GRCh38, 1-based): chr8:100,213,149, C>T. VCF-style: chr8-100213149-C-T. GRCh37 (hg19) VCF-style: chr8-101225377-C-T.
Other names: c.1156C>T, p.Gln386Ter (NM_001374321.1, NM_172218.3); short protein forms Q386*.
Identifiers: ClinVar variation 474648 (VCV000474648.6), dbSNP rs1229952265, ClinGen allele CA371808745.